The following is an entry in ClinVar:

ClinVar aggregate classification (germline): Uncertain significance. Review status: criteria provided, multiple submitters, no conflicts (2 of 4 stars). 2 submissions from 2 submitters: Uncertain significance (2). Last evaluated 2025-06-28.

Conditions:
Cardiovascular phenotype. Identifiers: MedGen CN230736.
Long QT syndrome (LQTS). Identifiers: MedGen C0023976, MeSH D008133, MONDO:0002442. Disease mechanism: loss of function. Inheritance: Various modes of inheritance.

Submissions (2):

Ambry Genetics
Classification: Uncertain significance for Cardiovascular phenotype. Last evaluated: 2025-06-28. Review status: criteria provided, single submitter. Criteria: Ambry Variant Classification Scheme 2023. Collection method: clinical testing. Allele origin: germline.
Comment: The p.M1431V variant (also known as c.4291A>G), located in coding exon 35 of the ANK2 gene, results from an A to G substitution at nucleotide position 4291. The methionine at codon 1431 is replaced by valine, an amino acid with highly similar properties. This amino acid position is conserved. In addition, the in silico prediction for this alteration is inconclusive. Based on the available evidence, the clinical significance of this variant remains unclear.

Labcorp Genetics (formerly Invitae), Labcorp
Classification: Uncertain significance for Long QT syndrome. Last evaluated: 2024-10-21. Review status: criteria provided, single submitter. Criteria: Invitae Variant Classification Sherloc (09022015). Collection method: clinical testing. Allele origin: germline.
Comment: This sequence change replaces methionine, which is neutral and non-polar, with valine, which is neutral and non-polar, at codon 1431 of the ANK2 protein (p.Met1431Val). This variant is present in population databases (rs763388682, gnomAD 0.0009%). This variant has not been reported in the literature in individuals affected with ANK2-related conditions. Invitae Evidence Modeling of protein sequence and biophysical properties (such as structural, functional, and spatial information, amino acid conservation, physicochemical variation, residue mobility, and thermodynamic stability) indicates that this missense variant is not expected to disrupt ANK2 protein function with a negative predictive value of 80%. In summary, the available evidence is currently insufficient to determine the role of this variant in disease. Therefore, it has been classified as a Variant of Uncertain Significance.

NM_001148.6(ANK2):c.4291A>G (p.Met1431Val)

Gene: ANK2 (ankyrin 2; plus strand). Cytogenetic location: 4q26.
Variant type: single nucleotide variant.
Coding change: c.4291A>G on transcript NM_001148.6 (MANE Select); coding-DNA position 4291, A replaced by G.
Protein change: p.Met1431Val; replaces methionine 1431 with valine.
Molecular consequence: missense variant.
Genome position (GRCh38, 1-based): chr4:113,345,942, A>G. VCF-style: chr4-113345942-A-G. GRCh37 (hg19) VCF-style: chr4-114267098-A-G.
Other names: c.4264A>G, p.Met1422Val (NM_001127493.3); c.4303A>G, p.Met1435Val (NM_001354225.2); c.4192A>G, p.Met1398Val (NM_001354228.2, NM_001354258.2); c.4270A>G, p.Met1424Val (NM_001354230.2); c.4333A>G, p.Met1445Val (NM_001354231.2, NM_001354242.2); c.4327A>G, p.Met1443Val (NM_001354232.2); c.4288A>G, p.Met1430Val (NM_001354235.2, NM_001354246.2, NM_001354265.2); c.4189A>G, p.Met1397Val (NM_001354236.2); and 31 more; short protein forms M1303V, M1331V, M1344V, M1369V, M1376V, M1388V, M1409V, M1410V.
Identifiers: ClinVar variation 3681866 (VCV003681866.3).